The following is an entry in ClinVar:

NM_021167.5(GATAD1):c.676C>T (p.Pro226Ser)

Gene: GATAD1 (GATA zinc finger domain containing 1; plus strand). Cytogenetic location: 7q21.2.
Variant type: single nucleotide variant.
Coding change: c.676C>T on transcript NM_021167.5 (MANE Select); coding-DNA position 676, C replaced by T.
Protein change: p.Pro226Ser; replaces proline 226 with serine.
Molecular consequence: missense variant. On other transcripts: non-coding transcript variant (1).
Genome position (GRCh38, 1-based): chr7:92,456,428, C>T. VCF-style: chr7-92456428-C-T. GRCh37 (hg19) VCF-style: chr7-92085742-C-T.
Other names: short protein forms P226S.
Identifiers: ClinVar variation 3670595 (VCV003670595.2).

ClinVar aggregate classification (germline): Uncertain significance (1 of 4 stars; one submission).

Conditions:
Dilated cardiomyopathy 2B. Identifiers: Orphanet 154, MedGen C3553409, MONDO:0013848, OMIM 614672.

Submission:

Labcorp Genetics (formerly Invitae), Labcorp
Classification: Uncertain significance for Dilated cardiomyopathy 2B. Last evaluated: 2025-01-19. Review status: criteria provided, single submitter. Criteria: Invitae Variant Classification Sherloc (09022015). Collection method: clinical testing. Allele origin: germline.
Comment: This sequence change replaces proline, which is neutral and non-polar, with serine, which is neutral and polar, at codon 226 of the GATAD1 protein (p.Pro226Ser). This variant is present in population databases (rs774084134, gnomAD 0.008%). This variant has not been reported in the literature in individuals affected with GATAD1-related conditions. Invitae Evidence Modeling of protein sequence and biophysical properties (such as structural, functional, and spatial information, amino acid conservation, physicochemical variation, residue mobility, and thermodynamic stability) indicates that this missense variant is expected to disrupt GATAD1 protein function with a positive predictive value of 80%. In summary, the available evidence is currently insufficient to determine the role of this variant in disease. Therefore, it has been classified as a Variant of Uncertain Significance.